The following is an entry in ClinVar:

NC_000001.10:g.(?_115215718)_(115220663_115220953)del

Gene: AMPD1 (adenosine monophosphate deaminase 1; minus strand). Cytogenetic location: 1p13.2.
Variant type: Deletion.
Identifiers: ClinVar variation 3063620 (VCV003063620.1).

ClinVar aggregate classification (germline): Uncertain significance (1 of 4 stars; one submission).

Submission:

Women's Health and Genetics/Laboratory Corporation of America, LabCorp
Classification: Uncertain significance. Last evaluated: 2024-01-03. Review status: criteria provided, single submitter. Criteria: LabCorp Variant Classification Summary - May 2015. Collection method: clinical testing. Allele origin: germline.
Comment: Variant summary: The variant involves the deletion of exons 9-16 in the AMPD1 gene. A presumed nomenclature of c.(1092+1_1093-1)_(*17_?)del has been designated for the purposes of this classification. The exact breakpoint at the distal 3' end of this variant is unknown, therefore this deletion may extend downstream of the annotated region of the gene. As it encompasses the termination codon, it is predicted to escape nonsense mediated decay (NMD). Additionally, the mechanism of disease attributed to AMPD1 is gain-of-function. The variant was absent in 21694 control chromosomes (gnomAD, structural variants dataset). The available data on variant occurrences in the general population are insufficient to allow any conclusion about variant significance. To our knowledge, no occurrence of c.(1092+1_1093-1)_(*17_?)del in individuals affected with Muscle AMP Deaminase Deficiency and no experimental evidence demonstrating its impact on protein function have been reported. No submitters have cited clinical-significance assessments for this variant to ClinVar after 2014. Based on the evidence outlined above, the variant was classified as uncertain significance.